The following is an entry in ClinVar:

NM_001204.7(BMPR2):c.1994C>T (p.Thr665Ile)

Gene: BMPR2 (bone morphogenetic protein receptor type 2; plus strand). Cytogenetic location: 2q33.2.
Variant type: single nucleotide variant.
Coding change: c.1994C>T on transcript NM_001204.7 (MANE Select); coding-DNA position 1994, C replaced by T.
Protein change: p.Thr665Ile; replaces threonine 665 with isoleucine.
Molecular consequence: missense variant.
Genome position (GRCh38, 1-based): chr2:202,555,659, C>T. VCF-style: chr2-202555659-C-T. GRCh37 (hg19) VCF-style: chr2-203420382-C-T.
Other names: short protein forms T665I.
Identifiers: ClinVar variation 4214488 (VCV004214488.1).

ClinVar aggregate classification (germline): Uncertain significance (1 of 4 stars; one submission).

Conditions:
Inborn genetic diseases. Identifiers: MedGen C0950123, MeSH D030342.

gnomAD v4.1: 1 of 1,614,076 alleles (0.000062%); highest among the groups gnomAD compares: Non-Finnish European, 0.000085%; no homozygotes.

Submission:

Ambry Genetics
Classification: Uncertain significance for Inborn genetic diseases. Last evaluated: 2025-08-08. Review status: criteria provided, single submitter. Criteria: Ambry Variant Classification Scheme 2023. Collection method: clinical testing. Allele origin: germline.
Comment: The p.T665I variant (also known as c.1994C>T), located in coding exon 12 of the BMPR2 gene, results from a C to T substitution at nucleotide position 1994. The threonine at codon 665 is replaced by isoleucine, an amino acid with similar properties. This amino acid position is conserved. In addition, the in silico prediction for this alteration is inconclusive. Based on the available evidence, the clinical significance of this variant remains unclear.